The following is an entry in ClinVar:

NM_005733.3(KIF20A):c.1240C>A (p.Arg414Ser)

Gene: KIF20A (kinesin family member 20A; plus strand). Cytogenetic location: 5q31.2.
Variant type: single nucleotide variant.
Coding change: c.1240C>A on transcript NM_005733.3 (MANE Select); coding-DNA position 1240, C replaced by A.
Protein change: p.Arg414Ser; replaces arginine 414 with serine.
Molecular consequence: missense variant.
Genome position (GRCh38, 1-based): chr5:138,183,993, C>A. VCF-style: chr5-138183993-C-A. GRCh37 (hg19) VCF-style: chr5-137519682-C-A.
Other names: c.1240C>A (NM_005733.2); short protein forms R414S.
Identifiers: ClinVar variation 2419250 (VCV002419250.9), dbSNP rs776769165, ClinGen allele CA3426551.

ClinVar aggregate classification (germline): Uncertain significance. Review status: criteria provided, multiple submitters, no conflicts (2 of 4 stars). 2 submissions from 2 submitters: Uncertain significance (2). Last evaluated 2025-06-12.

Submissions (2):

Labcorp Genetics (formerly Invitae), Labcorp
Classification: Uncertain significance. Last evaluated: 2025-06-12. Review status: criteria provided, single submitter. Criteria: Invitae Variant Classification Sherloc (09022015). Collection method: clinical testing. Allele origin: germline.
Comment: This sequence change replaces arginine, which is basic and polar, with serine, which is neutral and polar, at codon 414 of the KIF20A protein (p.Arg414Ser). This variant is present in population databases (rs776769165, gnomAD 0.06%), and has an allele count higher than expected for a pathogenic variant. This variant has not been reported in the literature in individuals affected with KIF20A-related conditions. ClinVar contains an entry for this variant (Variation ID: 2419250). An algorithm developed to predict the effect of missense changes on protein structure and function (PolyPhen-2) suggests that this variant is likely to be disruptive. In summary, the available evidence is currently insufficient to determine the role of this variant in disease. Therefore, it has been classified as a Variant of Uncertain Significance.

Ambry Genetics
Classification: Uncertain significance. Last evaluated: 2023-04-20. Review status: criteria provided, single submitter. Criteria: Ambry Variant Classification Scheme 2023. Collection method: clinical testing. Allele origin: germline.